The following is an entry in ClinVar:

NM_001077418.3(TMEM231):c.770+1A>G

Gene: TMEM231 (transmembrane protein 231; minus strand). Cytogenetic location: 16q23.1.
Variant type: single nucleotide variant.
Coding change: c.770+1A>G on transcript NM_001077418.3 (MANE Select); the canonical splice donor site of the intron after coding-DNA position 770, A replaced by G.
Molecular consequence: splice donor variant.
Genome position (GRCh38, 1-based): chr16:75,541,349, T>C on the plus strand (A>G on the coding strand, the complement: TMEM231 is on the minus strand). VCF-style: chr16-75541349-T-C. GRCh37 (hg19) VCF-style: chr16-75575247-T-C.
Other names: c.929+1A>G (NM_001077416.2).
Identifiers: ClinVar variation 3375765 (VCV003375765.1).

ClinVar aggregate classification (germline): Pathogenic (1 of 4 stars; one submission).

gnomAD v4.1: 27 of 1,604,360 alleles (0.0017%); highest among the groups gnomAD compares: Non-Finnish European, 0.002%; no homozygotes.

Submission:

GeneDx
Classification: Pathogenic. Last evaluated: 2024-05-10. Review status: criteria provided, single submitter. Criteria: GeneDx Variant Classification Process June 2021. Collection method: clinical testing. Allele origin: germline. Affected: yes.
Comment: Canonical splice site variant predicted to result in a null allele in a gene for which loss of function is a known mechanism of disease; This variant is associated with the following publications: (PMID: 31663672)